The following is an entry in ClinVar:

NM_000489.6(ATRX):c.6943G>A (p.Ala2315Thr)

Gene: ATRX (ATRX chromatin remodeler; minus strand). Cytogenetic location: Xq21.1.
Variant type: single nucleotide variant.
Coding change: c.6943G>A on transcript NM_000489.6 (MANE Select); coding-DNA position 6943, G replaced by A.
Protein change: p.Ala2315Thr; replaces alanine 2315 with threonine.
Molecular consequence: missense variant.
Genome position (GRCh38, 1-based): chrX:77,522,295, C>T on the plus strand (G>A on the coding strand, the complement: ATRX is on the minus strand). VCF-style: chrX-77522295-C-T. GRCh37 (hg19) VCF-style: chrX-76777773-C-T.
Other names: c.6829G>A, p.Ala2277Thr (NM_138270.5); short protein forms A2315T, A2277T.
Identifiers: ClinVar variation 1042324 (VCV001042324.9), dbSNP rs2063256154, ClinGen allele CA413708526.

ClinVar aggregate classification (germline): Uncertain significance (1 of 4 stars; one submission).

Conditions:
Alpha thalassemia-X-linked intellectual disability syndrome (ATRX). Also called: ALPHA-THALASSEMIA/MENTAL RETARDATION SYNDROME, X-LINKED; ATR, NONDELETION TYPE; ATR-X syndrome; Alpha thalassemia mental retardation syndrome, nondeletion type, X-linked; XLMR hypotonic face syndrome; X-linked alpha-thalassemia-mental retardation syndrome. Identifiers: Orphanet 847, MedGen C1845055, MONDO:0010519, OMIM 301040.

Submission:

Labcorp Genetics (formerly Invitae), Labcorp
Classification: Uncertain significance for Alpha thalassemia-X-linked intellectual disability syndrome. Last evaluated: 2022-02-03. Review status: criteria provided, single submitter. Criteria: Invitae Variant Classification Sherloc (09022015). Collection method: clinical testing. Allele origin: germline.
Comment: ClinVar contains an entry for this variant (Variation ID: 1042324). In summary, the available evidence is currently insufficient to determine the role of this variant in disease. Therefore, it has been classified as a Variant of Uncertain Significance. Algorithms developed to predict the effect of missense changes on protein structure and function are either unavailable or do not agree on the potential impact of this missense change (SIFT: "Deleterious"; PolyPhen-2: "Possibly Damaging"; Align-GVGD: "Class C0"). This variant has not been reported in the literature in individuals affected with ATRX-related conditions. This variant is not present in population databases (gnomAD no frequency). This sequence change replaces alanine, which is neutral and non-polar, with threonine, which is neutral and polar, at codon 2315 of the ATRX protein (p.Ala2315Thr).